The following is an entry in ClinVar:

ClinVar aggregate classification (germline): Pathogenic. Review status: criteria provided, multiple submitters, no conflicts (2 of 4 stars). 2 submissions from 2 submitters: Pathogenic (2). Last evaluated 2025-06-05.

Conditions:
Neurofibromatosis, type 1 (NF1). Also called: VON RECKLINGHAUSEN DISEASE; Neurofibromatosis, type I; NEUROFIBROMATOSIS, TYPE I, SOMATIC; Peripheral type neurofibromatosis. Identifiers: Orphanet 636, MedGen C0027831, MONDO:0018975, OMIM 162200. Disease mechanism: loss of function.

Submissions (2):

NHS Central & South Genomic Laboratory Hub
Classification: Pathogenic for Neurofibromatosis type 1. Last evaluated: 2025-06-05. Review status: criteria provided, single submitter. Criteria: ACMG Guidelines, 2015. Collection method: clinical testing. Allele origin: germline. Affected: yes.

Labcorp Genetics (formerly Invitae), Labcorp
Classification: Pathogenic for Neurofibromatosis, type 1. Last evaluated: 2021-05-17. Review status: criteria provided, single submitter. Criteria: Invitae Variant Classification Sherloc (09022015). Collection method: clinical testing. Allele origin: germline.
Comment: For these reasons, this variant has been classified as Pathogenic. This variant has been observed in individual(s) with clinical features of neurofibromatosis type I (PMID: 15060124). This variant is not present in population databases (ExAC no frequency). This sequence change creates a premature translational stop signal (p.Ser727*) in the NF1 gene. It is expected to result in an absent or disrupted protein product. Loss-of-function variants in NF1 are known to be pathogenic (PMID: 10712197, 23913538).

Literature cited by the submitters: PubMed 15060124 (cited by Labcorp Genetics (formerly Invitae), Labcorp); PubMed 10712197 (cited by Labcorp Genetics (formerly Invitae), Labcorp); PubMed 23913538 (cited by Labcorp Genetics (formerly Invitae), Labcorp).

NM_001042492.3(NF1):c.2180C>G (p.Ser727Ter)

Gene: NF1 (neurofibromin 1; plus strand). Cytogenetic location: 17q11.2.
Variant type: single nucleotide variant.
Coding change: c.2180C>G on transcript NM_001042492.3 (MANE Select); coding-DNA position 2180, C replaced by G.
Protein change: p.Ser727Ter; replaces serine 727 with a stop codon.
Molecular consequence: nonsense.
Genome position (GRCh38, 1-based): chr17:31,226,613, C>G. VCF-style: chr17-31226613-C-G. GRCh37 (hg19) VCF-style: chr17-29553631-C-G.
Other names: c.2180C>G, p.Ser727Ter (NM_000267.4); short protein forms S727*.
Identifiers: ClinVar variation 1396758 (VCV001396758.9), dbSNP rs2151425993, ClinGen allele CA398982435.